The following is an entry in ClinVar:

NM_000081.4(LYST):c.5183C>T (p.Thr1728Ile)

Gene: LYST (lysosomal trafficking regulator; minus strand). Cytogenetic location: 1q42.3.
Variant type: single nucleotide variant.
Coding change: c.5183C>T on transcript NM_000081.4 (MANE Select); coding-DNA position 5183, C replaced by T.
Protein change: p.Thr1728Ile; replaces threonine 1728 with isoleucine.
Molecular consequence: missense variant.
Genome position (GRCh38, 1-based): chr1:235,780,896, G>A on the plus strand (C>T on the coding strand, the complement: LYST is on the minus strand). VCF-style: chr1-235780896-G-A. GRCh37 (hg19) VCF-style: chr1-235944196-G-A.
Other names: c.5183C>T, p.Thr1728Ile (NM_001301365.1); short protein forms T1728I.
Identifiers: ClinVar variation 2113897 (VCV002113897.4), dbSNP rs769390109, ClinGen allele CA1466681.
Genomic context (GRCh38, chr1:235,780,896, plus strand): 5'-AAATTAAAATTTATAAAATTAAAACTTACAATTAAGAGACCAATATCCACATCTTTCTTG[G>A]TCATAAAAAGTTCTCTGATTTGTTCACATCGCAAAATTTCTTTATTAATATATTTGGAGT-3'
Protein context (NP_000072.2, residues 1718-1738): RCEQIRELFM[Thr1728Ile]KKDVDIGLLI

ClinVar aggregate classification (germline): Uncertain significance (1 of 4 stars; one submission).

Conditions:
Chédiak-Higashi syndrome (CHS). Also called: Chediak-Higashi Syndrome. Identifiers: Orphanet 167, MedGen C0007965, MONDO:0008963, OMIM 214500.

Allele frequency attached by ClinVar (database versions not stated): gnomAD exomes below 0.00001; ExAC 0.00001.
gnomAD v4.1: 3 of 1,553,332 alleles (0.00019%); highest among the groups gnomAD compares: Non-Finnish European, 0.00026%; no homozygotes.

Submission:

Labcorp Genetics (formerly Invitae), Labcorp
Classification: Uncertain significance for Chédiak-Higashi syndrome. Last evaluated: 2022-05-03. Review status: criteria provided, single submitter. Criteria: Invitae Variant Classification Sherloc (09022015). Collection method: clinical testing. Allele origin: germline.
Comment: In summary, the available evidence is currently insufficient to determine the role of this variant in disease. Therefore, it has been classified as a Variant of Uncertain Significance. Algorithms developed to predict the effect of missense changes on protein structure and function (SIFT, PolyPhen-2, Align-GVGD) all suggest that this variant is likely to be tolerated. This variant has not been reported in the literature in individuals affected with LYST-related conditions. This variant is present in population databases (rs769390109, gnomAD 0.004%). This sequence change replaces threonine, which is neutral and polar, with isoleucine, which is neutral and non-polar, at codon 1728 of the LYST protein (p.Thr1728Ile).